The following is an entry in ClinVar:

NM_004064.5(CDKN1B):c.470C>T (p.Thr157Ile)

Gene: CDKN1B (cyclin dependent kinase inhibitor 1B; plus strand). Cytogenetic location: 12p13.1.
Variant type: single nucleotide variant.
Coding change: c.470C>T on transcript NM_004064.5 (MANE Select); coding-DNA position 470, C replaced by T.
Protein change: p.Thr157Ile; replaces threonine 157 with isoleucine.
Molecular consequence: missense variant.
Genome position (GRCh38, 1-based): chr12:12,718,309, C>T. VCF-style: chr12-12718309-C-T. GRCh37 (hg19) VCF-style: chr12-12871243-C-T.
Other names: short protein forms T157I.
Identifiers: ClinVar variation 944946 (VCV000944946.14), dbSNP rs1217425525, ClinGen allele CA383970989.

ClinVar aggregate classification (germline): Uncertain significance. Review status: criteria provided, multiple submitters, no conflicts (2 of 4 stars). 3 submissions from 3 submitters: Uncertain significance (3). Last evaluated 2024-12-20.

Conditions:
Multiple endocrine neoplasia type 4. Also called: MULTIPLE ENDOCRINE NEOPLASIA, TYPE IV. Identifiers: Orphanet 276152, MedGen C1970712, MONDO:0012552, OMIM 610755.
Hereditary cancer-predisposing syndrome. Also called: Neoplastic Syndromes, Hereditary; Hereditary neoplastic syndrome; Hereditary Cancer Syndrome; Tumor predisposition. Identifiers: Orphanet 140162, MedGen C0027672, MeSH D009386, MONDO:0015356.

gnomAD v4.1: 1 of 1,601,516 alleles (0.000062%); highest among the groups gnomAD compares: African/African-American, 0.0013%; no homozygotes.

Submissions (3):

Ambry Genetics
Classification: Uncertain significance for Hereditary cancer-predisposing syndrome. Last evaluated: 2024-12-20. Review status: criteria provided, single submitter. Criteria: Ambry Variant Classification Scheme 2023. Collection method: clinical testing. Allele origin: germline.
Comment: The p.T157I variant (also known as c.470C>T), located in coding exon 1 of the CDKN1B gene, results from a C to T substitution at nucleotide position 470. The threonine at codon 157 is replaced by isoleucine, an amino acid with similar properties. This amino acid position is conserved. In addition, this alteration is predicted to be tolerated by in silico analysis. Since supporting evidence is limited at this time, the clinical significance of this alteration remains unclear.

Labcorp Genetics (formerly Invitae), Labcorp
Classification: Uncertain significance for Multiple endocrine neoplasia type 4. Last evaluated: 2024-05-06. Review status: criteria provided, single submitter. Criteria: Invitae Variant Classification Sherloc (09022015). Collection method: clinical testing. Allele origin: germline.
Comment: This sequence change replaces threonine, which is neutral and polar, with isoleucine, which is neutral and non-polar, at codon 157 of the CDKN1B protein (p.Thr157Ile). This variant is not present in population databases (gnomAD no frequency). This variant has not been reported in the literature in individuals affected with CDKN1B-related conditions. ClinVar contains an entry for this variant (Variation ID: 944946). An algorithm developed to predict the effect of missense changes on protein structure and function (PolyPhen-2) suggests that this variant is likely to be tolerated. In summary, the available evidence is currently insufficient to determine the role of this variant in disease. Therefore, it has been classified as a Variant of Uncertain Significance.

Baylor Genetics
Classification: Uncertain significance for Multiple endocrine neoplasia type 4. Last evaluated: 2024-02-02. Review status: criteria provided, single submitter. Criteria: ACMG Guidelines, 2015. Collection method: clinical testing. Allele origin: unknown.